The following is an entry in ClinVar:

NM_020778.5(ALPK3):c.2260G>T (p.Glu754Ter)

Gene: ALPK3 (alpha kinase 3; plus strand). Cytogenetic location: 15q25.3.
Variant type: single nucleotide variant.
Coding change: c.2260G>T on transcript NM_020778.5 (MANE Select); coding-DNA position 2260, G replaced by T.
Protein change: p.Glu754Ter; replaces glutamic acid 754 with a stop codon.
Molecular consequence: nonsense.
Genome position (GRCh38, 1-based): chr15:84,856,998, G>T. VCF-style: chr15-84856998-G-T. GRCh37 (hg19) VCF-style: chr15-85400229-G-T.
Other names: short protein forms E754*.
Identifiers: ClinVar variation 3376704 (VCV003376704.1).

ClinVar aggregate classification (germline): Pathogenic (1 of 4 stars; one submission).

Conditions:
Cardiomyopathy, familial hypertrophic 27. Identifiers: MedGen C4748014, MONDO:0054838, OMIM 618052.

Submission:

Victorian Clinical Genetics Services, Murdoch Childrens Research Institute
Classification: Pathogenic for Cardiomyopathy, familial hypertrophic 27. Last evaluated: 2024-10-10. Review status: criteria provided, single submitter. Criteria: ACMG Guidelines, 2015. Collection method: clinical testing. Allele origin: germline. Inheritance: Autosomal dominant inheritance. Affected: no.
Comment: Based on the classification scheme VCGS_Germline_v1.3.4, this variant is classified as Pathogenic. Following criteria are met: 0102 - Loss of function is a known mechanism of disease in this gene and is associated with familial hypertrophic cardiomyopathy 27 (MIM#618052). (I) 0108 - This gene is associated with both recessive and dominant disease (PMID: 34263907). (I) 0112 - The condition associated with this gene has incomplete penetrance. Age-dependent penetrance has been observed in the autosomal dominant condition (PMID: 32480058, 34263907). (I) 0201 - Variant is predicted to cause nonsense-mediated decay (NMD) and loss of protein (premature termination codon is located at least 54 nucleotides upstream of the final exon-exon junction). (SP) 0251 - This variant is heterozygous. (I) 0301 - Variant is absent from gnomAD (both v2, v3 and v4). (SP) 0701 - Other NMD predicted variants comparable to the one identified in this case have very strong previous evidence for pathogenicity. Other variants predicted to cause NMD have been reported in ClinVar as pathogenic in individuals with cardiomyopathy. Monoallelic NMD-predicted ALPK3 variants have also been reported in adults with hypertrophic cardiomyopathy with age-dependent penetrance (PMID: 32480058, 34263907, 38356193). (SP) 0807 - This variant has no previous evidence of pathogenicity. (I) 0905 - No published segregation evidence has been identified for this variant. (I) 1007 - No published functional evidence has been identified for this variant. (I) Legend: (SP) - Supporting pathogenic, (I) - Information, (SB) - Supporting benign

Literature cited by the submitters: PubMed 32480058; PubMed 34263907; PubMed 38356193.